The following is an entry in ClinVar:

ClinVar aggregate classification (germline): Uncertain significance. Review status: criteria provided, multiple submitters, no conflicts (2 of 4 stars). 3 submissions from 3 submitters: Uncertain significance (3). Last evaluated 2026-01-26.

Conditions:
Rhabdomyosarcoma, embryonal, 2 (RMSE2). Identifiers: MedGen C1867234, MONDO:0859046, OMIM 180295.
Pleuropulmonary blastoma (PPB). Identifiers: Orphanet 64742, MedGen C1266144, MONDO:0011014, OMIM 601200, HP:0100528.
Euthyroid goiter (MNG1). Also called: Goiter, multinodular 1, with or without Sertoli-Leydig cell tumors; SIMPLE GOITER; GOITER, NONTOXIC, WITH INTRATHYROIDAL CALCIFICATION; MULTINODULAR GOITER, ADOLESCENT. Identifiers: Orphanet 276399, MedGen C0302859, MONDO:0007681, OMIM 138800, HP:0009798.
Global developmental delay - lung cysts - overgrowth - Wilms tumor syndrome. Also called: GLOBAL DEVELOPMENTAL DELAY, LUNG CYSTS, OVERGROWTH, AND WILMS TUMOR; GLOW Syndrome. Identifiers: Orphanet 404476, MedGen C4748924, MONDO:0018445, OMIM 618272.
Hereditary cancer-predisposing syndrome. Also called: Hereditary neoplastic syndrome; Neoplastic Syndromes, Hereditary; Hereditary Cancer Syndrome; Tumor predisposition. Identifiers: Orphanet 140162, MedGen C0027672, MeSH D009386, MONDO:0015356.
DICER1-related tumor predisposition. Also called: DICER1 syndrome; DICER1-related pleuropulmonary blastoma cancer predisposition syndrome. Identifiers: Orphanet 284343, MedGen C3839822, MONDO:0100216.

Allele frequency attached by ClinVar (database versions not stated): gnomAD 0.00001; TOPMed 0.00002; ESP Exome Variant Server 0.00008.
gnomAD v4.1: 22 of 1,613,948 alleles (0.0014%); highest among the groups gnomAD compares: Middle Eastern, 0.016%; no homozygotes.

Submissions (3):

Labcorp Genetics (formerly Invitae), Labcorp
Classification: Uncertain significance for DICER1-related tumor predisposition. Last evaluated: 2026-01-26. Review status: criteria provided, single submitter. Criteria: Invitae Variant Classification Sherloc (09022015). Collection method: clinical testing. Allele origin: germline.
Comment: This sequence change replaces methionine, which is neutral and non-polar, with valine, which is neutral and non-polar, at codon 684 of the DICER1 protein (p.Met684Val). This variant is present in population databases (rs142300389, gnomAD 0.003%). This variant has not been reported in the literature in individuals affected with DICER1-related conditions. ClinVar contains an entry for this variant (Variation ID: 573077). Invitae Evidence Modeling of protein sequence and biophysical properties (such as structural, functional, and spatial information, amino acid conservation, physicochemical variation, residue mobility, and thermodynamic stability) indicates that this missense variant is not expected to disrupt DICER1 protein function with a negative predictive value of 95%. In summary, the available evidence is currently insufficient to determine the role of this variant in disease. Therefore, it has been classified as a Variant of Uncertain Significance.

Ambry Genetics
Classification: Uncertain significance for Hereditary cancer-predisposing syndrome. Last evaluated: 2024-03-29. Review status: criteria provided, single submitter. Criteria: Ambry Variant Classification Scheme 2023. Collection method: clinical testing. Allele origin: germline.
Comment: The p.M684V variant (also known as c.2050A>G), located in coding exon 12 of the DICER1 gene, results from an A to G substitution at nucleotide position 2050. The methionine at codon 684 is replaced by valine, an amino acid with highly similar properties. This amino acid position is highly conserved in available vertebrate species. In addition, this alteration is predicted to be tolerated by in silico analysis. Since supporting evidence is limited at this time, the clinical significance of this alteration remains unclear.

Fulgent Genetics
Classification: Uncertain significance for Euthyroid goiter; Rhabdomyosarcoma, embryonal, 2; Pleuropulmonary blastoma; Global developmental delay - lung cysts - overgrowth - Wilms tumor syndrome. Last evaluated: 2024-03-07. Review status: criteria provided, single submitter. Criteria: ACMG Guidelines, 2015. Collection method: clinical testing. Allele origin: germline.

NM_177438.3(DICER1):c.2050A>G (p.Met684Val)

Gene: DICER1 (dicer 1, ribonuclease III; minus strand). Cytogenetic location: 14q32.13.
Variant type: single nucleotide variant.
Coding change: c.2050A>G on transcript NM_177438.3 (MANE Select); coding-DNA position 2050, A replaced by G.
Protein change: p.Met684Val; replaces methionine 684 with valine.
Molecular consequence: missense variant.
Genome position (GRCh38, 1-based): chr14:95,112,238, T>C on the plus strand (A>G on the coding strand, the complement: DICER1 is on the minus strand). VCF-style: chr14-95112238-T-C. GRCh37 (hg19) VCF-style: chr14-95578575-T-C.
Other names: c.2050A>G, p.Met684Val (NM_001195573.1, NM_001271282.3, NM_001291628.2 and 1 more transcripts); short protein forms M684V.
Identifiers: ClinVar variation 573077 (VCV000573077.15), dbSNP rs142300389, ClinGen allele CA7331326.